The following is an entry in ClinVar:

NM_080916.3(DGUOK):c.63C>T (p.Ser21=)

Genes: DGUOK (deoxyguanosine kinase; plus strand), LOC129934096 (ATAC-STARR-seq lymphoblastoid active region 16036; plus strand). Cytogenetic location: 2p13.1.
Variant type: single nucleotide variant.
Coding change: c.63C>T on transcript NM_080916.3 (MANE Select); coding-DNA position 63, C replaced by T.
Protein change: p.Ser21=; no amino-acid change (serine 21 retained).
Molecular consequence: synonymous variant. On other transcripts: 5 prime UTR variant (4), non-coding transcript variant (6).
Genome position (GRCh38, 1-based): chr2:73,926,973, C>T. VCF-style: chr2-73926973-C-T. GRCh37 (hg19) VCF-style: chr2-74154100-C-T.
Other names: c.63C>T, p.Ser21= (NM_001318859.2, NM_080918.3); c.-116C>T (NM_001318860.2, NM_001318863.2); c.-202C>T (NM_001318861.2, NM_001318862.2).
Identifiers: ClinVar variation 5000257 (VCV005000257.1).

ClinVar aggregate classification (germline): Likely benign (1 of 4 stars; one submission).

Conditions:
DGUOK-related disorder. Also called: DGUOK-related condition.

gnomAD v4.1: 4 of 1,612,980 alleles (0.00025%); highest among the groups gnomAD compares: South Asian, 0.0011%; no homozygotes.

Submission:

PreventionGenetics, part of Exact Sciences
Classification: Likely benign for DGUOK-related condition. Last evaluated: 2025-04-25. Review status: criteria provided, single submitter. Criteria: ACMG Guidelines, 2015. Collection method: clinical testing. Allele origin: germline.
Comment: This variant is classified as likely benign based on ACMG/AMP sequence variant interpretation guidelines (Richards et al. 2015 PMID: 25741868, with internal and published modifications).